The following is an entry in ClinVar:

NM_000949.7(PRLR):c.508A>C (p.Ile170Leu)

Gene: PRLR (prolactin receptor; minus strand). Cytogenetic location: 5p13.2.
Variant type: single nucleotide variant.
Coding change: c.508A>C on transcript NM_000949.7 (MANE Select); coding-DNA position 508, A replaced by C.
Protein change: p.Ile170Leu; replaces isoleucine 170 with leucine.
Molecular consequence: missense variant. On other transcripts: non-coding transcript variant (1).
Genome position (GRCh38, 1-based): chr5:35,072,610, T>G on the plus strand (A>C on the coding strand, the complement: PRLR is on the minus strand). VCF-style: chr5-35072610-T-G. GRCh37 (hg19) VCF-style: chr5-35072712-T-G.
Other names: I146L; PRLR, ILE146LEU (rs72478580); c.205A>C, p.Ile69Leu (NM_001204314.2); c.508A>C, p.Ile170Leu (NM_001204315.1, NM_001204316.1, NM_001204317.1 and 1 more transcripts); c.508A>C (NM_000949.6); short protein forms I170L, I69L.
Identifiers: ClinVar variation 88996 (VCV000088996.5), dbSNP rs72478580, ClinGen allele CA145411.
Genomic context (GRCh38, chr5:35,072,610, plus strand): 5'-TTCAAAAAGCATATGGATCACTCACCTCCCACTCAGCTGCTTTCTCGGGTTTTAATCGAA[T>G]TTCATACAGGAGCGTGAACCAACCAGTTTTTAAGTCAATCAGGGTAGGTGGAGACCATTT-3'
Protein context (NP_000940.1, residues 160-180): KTGWFTLLYE[Ile170Leu]RLKPEKAAEW

ClinVar aggregate classification (germline): Conflicting classifications of pathogenicity. Review status: no assertion criteria provided (0 of 4 stars). 3 submissions from 3 submitters: Pathogenic (1); Benign (2). Last evaluated 2020-01-06.

Conditions:
PRLR-related disorder. Also called: PRLR-related condition.
Multiple fibroadenoma of the breast. Also called: Multiple fibroadenomas of the breast. Identifiers: Orphanet 50920, MedGen C3809918, MONDO:0014249, OMIM 615554.

Allele frequency attached by ClinVar (database versions not stated): 1000 Genomes Project 0.01258; 1000 Genomes Project 30x 0.01296; TOPMed 0.01799; ESP Exome Variant Server 0.01838; gnomAD 0.01851 and 0.01896; gnomAD exomes 0.01880 and 0.02445; ExAC 0.01899.
gnomAD v4.1: 38,411 of 1,614,040 alleles (2.4%); highest among the groups gnomAD compares: Non-Finnish European, 2.8%; 539 homozygotes.

Submissions (3):

Reproductive Health Research and Development, BGI Genomics
Classification: Benign for Multiple fibroadenomas of the breast. Last evaluated: 2020-01-06. Review status: no assertion criteria provided. Collection method: curation. Allele origin: germline.
Comment: NM_000949.5:c.508A>C (Ile170Leu) was reported as I146L in the literature. Bogorad et al. used multiple functional assays, which unambiguously converge to the evidence that I146L exhibits constitutive activity, highlighting the remarkable effect of this single substitution on the biological properties of the PrlR (PMID: 24195502). This variant has an allele frequency of 0.027 in European (non-Finnish) subpopulation in the gnomAD database, including 71 homozygous occurrences. Taken together, we interprete this variant as Benign/Likely benign variant. ACMG/AMP criteria applied: BS1, BS2, PS3.

PreventionGenetics, part of Exact Sciences
Classification: Benign for PRLR-related condition. Last evaluated: 2019-07-16. Review status: no assertion criteria provided. Collection method: clinical testing. Allele origin: germline.
Comment: This variant is classified as benign based on ACMG/AMP sequence variant interpretation guidelines (Richards et al. 2015 PMID: 25741868, with internal and published modifications).

OMIM
Classification: Pathogenic for MULTIPLE FIBROADENOMAS OF THE BREAST. Last evaluated: 2013-11-21. Review status: no assertion criteria provided. Collection method: literature only. Allele origin: germline.

Literature cited by the submitters: PubMed 18779591 (cited by OMIM); Newey, P. J., Gorvin, C. M., Cleland, S. J., Willberg, C. B., Bridge, M., Azharuddin, M., Drummond, R. S., van der Merwe, P. A., Klenerman, P., Bountra, C., Thakker, R. V. Mutant prolactin receptor and familial hyperprolactinemia. New Eng. J. Med. 369: 2012-2020, 2013. (cited by OMIM).